The following is an entry in ClinVar:

NM_139242.4(MTFMT):c.721+3G>A

Gene: MTFMT (mitochondrial methionyl-tRNA formyltransferase; minus strand). Cytogenetic location: 15q22.31.
Variant type: single nucleotide variant.
Coding change: c.721+3G>A on transcript NM_139242.4 (MANE Select); 3 bases into the intron after coding-DNA position 721, G replaced by A.
Molecular consequence: intron variant.
Genome position (GRCh38, 1-based): chr15:65,020,194, C>T on the plus strand (G>A on the coding strand, the complement: MTFMT is on the minus strand). VCF-style: chr15-65020194-C-T. GRCh37 (hg19) VCF-style: chr15-65312532-C-T.
Identifiers: ClinVar variation 512038 (VCV000512038.5), dbSNP rs374845427, ClinGen allele CA7613269.
Genomic context (GRCh38, chr15:65,020,194, plus strand): 5'-TCAGATGCTATCGTGACAAGCAGAACCTTTAGAAAGATGAGAGTCTCTGCAGCCTTCACT[C>T]ACCGTAAGTCGCCCCCTCCATTGGCTGCTGCCTTCCATTGCTCAGACTTTCAGGCAAATT-3'

ClinVar aggregate classification (germline): Conflicting classifications of pathogenicity. Review status: criteria provided, conflicting classifications (1 of 4 stars). 2 submissions from 2 submitters: Uncertain significance (1); Likely benign (1). Last evaluated 2025-03-17.

Allele frequency attached by ClinVar (database versions not stated): gnomAD 0.00001; TOPMed 0.00002; ESP Exome Variant Server 0.00008.
gnomAD v4.1: 33 of 1,611,192 alleles (0.002%); highest among the groups gnomAD compares: Non-Finnish European, 0.0028%; no homozygotes.

Submissions (2):

Labcorp Genetics (formerly Invitae), Labcorp
Classification: Uncertain significance. Last evaluated: 2025-03-17. Review status: criteria provided, single submitter. Criteria: Invitae Variant Classification Sherloc (09022015). Collection method: clinical testing. Allele origin: germline.
Comment: This sequence change falls in intron 5 of the MTFMT gene. It does not directly change the encoded amino acid sequence of the MTFMT protein. It affects a nucleotide within the consensus splice site. This variant is present in population databases (rs374845427, gnomAD 0.003%). This variant has not been reported in the literature in individuals affected with MTFMT-related conditions. ClinVar contains an entry for this variant (Variation ID: 512038). Variants that disrupt the consensus splice site are a relatively common cause of aberrant splicing (PMID: 17576681, 9536098). Algorithms developed to predict the effect of sequence changes on RNA splicing suggest that this variant is not likely to affect RNA splicing. In summary, the available evidence is currently insufficient to determine the role of this variant in disease. Therefore, it has been classified as a Variant of Uncertain Significance.

GeneDx
Classification: Likely benign. Last evaluated: 2017-09-13. Review status: criteria provided, single submitter. Criteria: GeneDx Variant Classification (06012015). Collection method: clinical testing. Allele origin: germline. Affected: yes.
Comment: This variant is considered likely benign or benign based on one or more of the following criteria: it is a conservative change, it occurs at a poorly conserved position in the protein, it is predicted to be benign by multiple in silico algorithms, and/or has population frequency not consistent with disease.

Literature cited by the submitters: PubMed 17576681 (cited by Labcorp Genetics (formerly Invitae), Labcorp); PubMed 9536098 (cited by Labcorp Genetics (formerly Invitae), Labcorp).